The following is an entry in ClinVar:

NM_173648.4(CCDC141):c.4347G>T (p.Leu1449Phe)

Gene: CCDC141 (coiled-coil domain containing 141; minus strand). Cytogenetic location: 2q31.2.
Variant type: single nucleotide variant.
Coding change: c.4347G>T on transcript NM_173648.4 (MANE Select); coding-DNA position 4347, G replaced by T.
Protein change: p.Leu1449Phe; replaces leucine 1449 with phenylalanine.
Molecular consequence: missense variant.
Genome position (GRCh38, 1-based): chr2:178,834,419, C>A on the plus strand (G>T on the coding strand, the complement: CCDC141 is on the minus strand). VCF-style: chr2-178834419-C-A. GRCh37 (hg19) VCF-style: chr2-179699146-C-A.
Other names: c.4347G>T (NM_173648.3); short protein forms L1449F.
Identifiers: ClinVar variation 1500313 (VCV001500313.8), dbSNP rs917442110, ClinGen allele CA61006864.
Genomic context (GRCh38, chr2:178,834,419, plus strand): 5'-TGGAATGAACACCGAATGCCTTGTCTCCTTGTGTAAAACCTGTAAGTGCCCATCTGCAGA[C>A]AATTTCTGGCCCTTCTTGTACCTGAAGCAGAGAGGCAGTTTTTAAAGTCAGGATTGCTGT-3'
Protein context (NP_775919.3, residues 1439-1459): TLTWYKKGQK[Leu1449Phe]SADGHLQVLH

ClinVar aggregate classification (germline): Uncertain significance. Review status: criteria provided, multiple submitters, no conflicts (2 of 4 stars). 3 submissions from 3 submitters: Uncertain significance (2). 1 of the submissions does not count toward it. Last evaluated 2024-01-30.

Conditions:
CCDC141-related disorder. Also called: CCDC141-related condition.

Allele frequency attached by ClinVar (database versions not stated): gnomAD exomes below 0.00001; TOPMed 0.00001.
gnomAD v4.1: 5 of 1,536,308 alleles (0.00033%); highest among the groups gnomAD compares: Non-Finnish European, 0.000087%; no homozygotes.

Submissions (3):

Ambry Genetics
Classification: Uncertain significance. Last evaluated: 2024-01-30. Review status: criteria provided, single submitter. Criteria: Ambry Variant Classification Scheme 2023. Collection method: clinical testing. Allele origin: germline.

Labcorp Genetics (formerly Invitae), Labcorp
Classification: Uncertain significance. Last evaluated: 2022-06-05. Review status: criteria provided, single submitter. Criteria: Invitae Variant Classification Sherloc (09022015). Collection method: clinical testing. Allele origin: germline.
Comment: In summary, the available evidence is currently insufficient to determine the role of this variant in disease. Therefore, it has been classified as a Variant of Uncertain Significance. Algorithms developed to predict the effect of missense changes on protein structure and function are either unavailable or do not agree on the potential impact of this missense change (SIFT: "Deleterious"; PolyPhen-2: "Probably Damaging"; Align-GVGD: "Class C0"). ClinVar contains an entry for this variant (Variation ID: 1500313). This variant has not been reported in the literature in individuals affected with CCDC141-related conditions. This variant is not present in population databases (gnomAD no frequency). This sequence change replaces leucine, which is neutral and non-polar, with phenylalanine, which is neutral and non-polar, at codon 1449 of the CCDC141 protein (p.Leu1449Phe).

PreventionGenetics, part of Exact Sciences
Classification: Uncertain significance for CCDC141-related condition. Last evaluated: 2024-07-18. Review status: no assertion criteria provided. Collection method: clinical testing. Allele origin: germline. Not counted in ClinVar's aggregate classification.
Comment: The CCDC141 c.4347G>T variant is predicted to result in the amino acid substitution p.Leu1449Phe. To our knowledge, this variant has not been reported in the literature or in a large population database, indicating this variant is rare. At this time, the clinical significance of this variant is uncertain due to the absence of conclusive functional and genetic evidence.